The following is an entry in ClinVar:

ClinVar aggregate classification (germline): Conflicting classifications of pathogenicity. Review status: criteria provided, conflicting classifications (1 of 4 stars). 2 submissions from 2 submitters: Uncertain significance (1); Benign (1). Last evaluated 2025-08-04.

Conditions:
Developmental and epileptic encephalopathy, 41 (DEE41). Also called: Epileptic encephalopathy, early infantile, 41. Identifiers: MedGen C4310717, MONDO:0014916, OMIM 617105.

Allele frequency attached by ClinVar (database versions not stated): gnomAD 0.00001; TOPMed 0.00001.
gnomAD v4.1: 9 of 1,614,046 alleles (0.00056%); highest among the groups gnomAD compares: African/African-American, 0.0013%; no homozygotes.

Submissions (2):

Labcorp Genetics (formerly Invitae), Labcorp
Classification: Benign. Last evaluated: 2025-08-04. Review status: criteria provided, single submitter. Criteria: Invitae Variant Classification Sherloc (09022015). Collection method: clinical testing. Allele origin: germline.

Neuberg Centre For Genomic Medicine, NCGM
Classification: Uncertain significance for Developmental and epileptic encephalopathy, 41. Review status: criteria provided, single submitter. Criteria: ACMG Guidelines, 2015. Collection method: clinical testing. Allele origin: germline. Inheritance: Autosomal dominant inheritance. Affected: yes.
Comment: The missense c.107G>A p.Arg36His variant in the SLC1A2 gene has not been reported previously as a pathogenic variant nor as a benign variant, to our knowledge. . This variant is reported with the allele frequency 0.003% in the gnomAD Exomes and novel in 1000 Genomes. This variant has been reported to the ClinVar database as Uncertain Significance. However, no details are available for independent assessment. The amino acid Arginine at position 36 is changed to a Histidine changing protein sequence and it might alter its composition and physico-chemical properties. The amino acid change p.Arg36His in SLC1A2 is predicted as conserved by GERP++ and PhyloP across 100 vertebrates. For these reasons, this variant has been classified as Uncertain Significance.

NM_004171.4(SLC1A2):c.107G>A (p.Arg36His)

Gene: SLC1A2 (solute carrier family 1 member 2; minus strand). Cytogenetic location: 11p13.
Variant type: single nucleotide variant.
Coding change: c.107G>A on transcript NM_004171.4 (MANE Select); coding-DNA position 107, G replaced by A.
Protein change: p.Arg36His; replaces arginine 36 with histidine.
Molecular consequence: missense variant.
Genome position (GRCh38, 1-based): chr11:35,317,427, C>T on the plus strand (G>A on the coding strand, the complement: SLC1A2 is on the minus strand). VCF-style: chr11-35317427-C-T. GRCh37 (hg19) VCF-style: chr11-35338974-C-T.
Other names: c.80G>A, p.Arg27His (NM_001195728.3, NM_001252652.2); short protein forms R27H, R36H.
Identifiers: ClinVar variation 1414351 (VCV001414351.9), dbSNP rs980878522, ClinGen allele CA220526116.